The following is an entry in ClinVar:

NM_006445.4(PRPF8):c.2759C>T (p.Ala920Val)

Gene: PRPF8 (pre-mRNA processing factor 8; minus strand). Cytogenetic location: 17p13.3.
Variant type: single nucleotide variant.
Coding change: c.2759C>T on transcript NM_006445.4 (MANE Select); coding-DNA position 2759, C replaced by T.
Protein change: p.Ala920Val; replaces alanine 920 with valine.
Molecular consequence: missense variant.
Genome position (GRCh38, 1-based): chr17:1,675,733, G>A on the plus strand (C>T on the coding strand, the complement: PRPF8 is on the minus strand). VCF-style: chr17-1675733-G-A. GRCh37 (hg19) VCF-style: chr17-1579027-G-A.
Other names: short protein forms A920V.
Identifiers: ClinVar variation 2499253 (VCV002499253.1), dbSNP rs2543766753, ClinGen allele CA397548160.

ClinVar aggregate classification (germline): Uncertain significance (1 of 4 stars; one submission).

Submission:

GeneDx
Classification: Uncertain significance. Last evaluated: 2022-10-17. Review status: criteria provided, single submitter. Criteria: GeneDx Variant Classification Process June 2021. Collection method: clinical testing. Allele origin: germline. Affected: yes.
Comment: Not observed at significant frequency in large population cohorts (gnomAD); In silico analysis supports that this missense variant has a deleterious effect on protein structure/function; Has not been previously published as pathogenic or benign to our knowledge